The following is an entry in ClinVar:

ClinVar aggregate classification (germline): Uncertain significance (1 of 4 stars; one submission).

Allele frequency attached by ClinVar (database versions not stated): TOPMed 0.00001.
gnomAD v4.1: 1 of 1,612,364 alleles (0.000062%); highest among the groups gnomAD compares: Non-Finnish European, 0.000085%; no homozygotes.

Submission:

Labcorp Genetics (formerly Invitae), Labcorp
Classification: Uncertain significance. Last evaluated: 2023-08-24. Review status: criteria provided, single submitter. Criteria: Invitae Variant Classification Sherloc (09022015). Collection method: clinical testing. Allele origin: germline.
Comment: Variants that disrupt the consensus splice site are a relatively common cause of aberrant splicing (PMID: 17576681, 9536098). Algorithms developed to predict the effect of sequence changes on RNA splicing suggest that this variant may create or strengthen a splice site. This sequence change falls in intron 16 of the OCA2 gene. It does not directly change the encoded amino acid sequence of the OCA2 protein. It affects a nucleotide within the consensus splice site. This variant is not present in population databases (gnomAD no frequency). This variant has not been reported in the literature in individuals affected with OCA2-related conditions. ClinVar contains an entry for this variant (Variation ID: 1480297). In summary, the available evidence is currently insufficient to determine the role of this variant in disease. Therefore, it has been classified as a Variant of Uncertain Significance.

Literature cited by the submitters: PubMed 17576681; PubMed 9536098.

NM_000275.3(OCA2):c.1784+3A>C

Gene: OCA2 (OCA2 melanosomal transmembrane protein; minus strand). Cytogenetic location: 15q13.1.
Variant type: single nucleotide variant.
Coding change: c.1784+3A>C on transcript NM_000275.3 (MANE Select); 3 bases into the intron after coding-DNA position 1784, A replaced by C.
Molecular consequence: intron variant.
Genome position (GRCh38, 1-based): chr15:27,957,585, T>G on the plus strand (A>C on the coding strand, the complement: OCA2 is on the minus strand). VCF-style: chr15-27957585-T-G. GRCh37 (hg19) VCF-style: chr15-28202731-T-G.
Other names: c.1712+3A>C (NM_001300984.2).
Identifiers: ClinVar variation 1480297 (VCV001480297.6), dbSNP rs772202517, ClinGen allele CA711720173.